The following is an entry in ClinVar:

ClinVar aggregate classification (germline): Benign/Likely benign. Review status: criteria provided, multiple submitters, no conflicts (2 of 4 stars). 11 submissions from 11 submitters: Benign (9); Likely benign (1). 1 of the submissions does not count toward it. Last evaluated 2026-02-03.

Conditions:
Inborn genetic diseases. Identifiers: MedGen C0950123, MeSH D030342.
Developmental and epileptic encephalopathy, 12 (DEE12). Identifiers: MedGen C3150988, MONDO:0013389, OMIM 613722.

Allele frequency attached by ClinVar (database versions not stated): ESP Exome Variant Server 0.07781; gnomAD 0.09450 and 0.09857; TOPMed 0.10317; gnomAD exomes 0.11678 and 0.13040; ExAC 0.12164; 1000 Genomes Project 30x 0.13242; 1000 Genomes Project 0.13498.
gnomAD v4.1: 185,112 of 1,611,148 alleles (11%); highest among the groups gnomAD compares: East Asian, 35%; 13,162 homozygotes.

Submissions (11):

Labcorp Genetics (formerly Invitae), Labcorp
Classification: Benign for Developmental and epileptic encephalopathy, 12. Last evaluated: 2026-02-03. Review status: criteria provided, single submitter. Criteria: Invitae Variant Classification Sherloc (09022015). Collection method: clinical testing. Allele origin: germline.

Blueprint Genetics
Classification: Benign. Last evaluated: 2024-11-28. Review status: criteria provided, single submitter. Criteria: ACMG Guidelines, 2015. Collection method: clinical testing. Allele origin: germline.

Unidad de Genómica Garrahan, Hospital de Pediatría Garrahan
Classification: Benign. Last evaluated: 2024-07-15. Review status: criteria provided, single submitter. Criteria: ACMG Guidelines, 2015. Collection method: clinical testing. Allele origin: germline. Affected: no. Observed: 32 variant alleles.
Comment: This variant is classified as Benign based on local population frequency. This variant was detected in 34% of patients studied in a panel designed for Epileptic and Developmental Encephalopathy and Progressive Myoclonus Epilepsy. Number of patients: 32. Only high quality variants are reported.

Genome-Nilou Lab
Classification: Benign for Developmental and epileptic encephalopathy, 12. Last evaluated: 2021-09-05. Review status: criteria provided, single submitter. Criteria: ACMG Guidelines, 2015. Collection method: clinical testing. Allele origin: germline. Affected: no.

GeneDx
Classification: Benign. Last evaluated: 2020-12-01. Review status: criteria provided, single submitter. Criteria: GeneDx Variant Classification Process June 2021. Collection method: clinical testing. Allele origin: germline. Affected: yes.

Mayo Clinic Laboratories, Mayo Clinic
Classification: Benign. Last evaluated: 2018-04-10. Review status: criteria provided, single submitter. Criteria: ACMG Guidelines, 2015. Collection method: clinical testing. Allele origin: germline. Observed: 114 variant alleles.

Athena Diagnostics
Classification: Benign. Last evaluated: 2017-04-20. Review status: criteria provided, single submitter. Criteria: Athena Diagnostics Criteria. Collection method: clinical testing. Allele origin: germline.

Ambry Genetics
Classification: Benign for Inborn genetic diseases. Last evaluated: 2016-01-08. Review status: criteria provided, single submitter. Criteria: Ambry Variant Classification Scheme 2023. Collection method: clinical testing. Allele origin: germline.

Breakthrough Genomics
Classification: Likely benign. Review status: criteria provided, single submitter. Criteria: ACMG Guidelines, 2015. Collection method: not provided. Allele origin: germline. Inheritance: Autosomal recessive inheritance. Affected: yes.

PreventionGenetics, part of Exact Sciences
Classification: Benign. Review status: criteria provided, single submitter. Criteria: ACMG Guidelines, 2015. Collection method: clinical testing. Allele origin: germline.

Genetic Services Laboratory, University of Chicago
Classification: Likely benign for AllHighlyPenetrant. Review status: no assertion criteria provided. Collection method: clinical testing. Allele origin: germline. Inheritance: Autosomal recessive inheritance. Not counted in ClinVar's aggregate classification.
Comment: Likely benign based on allele frequency in 1000 Genomes Project or ESP global frequency and its presence in a patient with a rare or unrelated disease phenotype. NOT Sanger confirmed.

NM_015192.4(PLCB1):c.1251-4T>G

Gene: PLCB1 (phospholipase C beta 1; plus strand). Cytogenetic location: 20p12.3.
Variant type: single nucleotide variant.
Coding change: c.1251-4T>G on transcript NM_015192.4 (MANE Select); 4 bases into the intron before coding-DNA position 1251, T replaced by G.
Molecular consequence: intron variant.
Genome position (GRCh38, 1-based): chr20:8,716,260, T>G. VCF-style: chr20-8716260-T-G. GRCh37 (hg19) VCF-style: chr20-8696907-T-G.
Other names: p.?; c.1251-4T>G (NM_182734.3).
Identifiers: ClinVar variation 129901 (VCV000129901.32), dbSNP rs2076689, ClinGen allele CA154262.